The following is an entry in ClinVar:

NM_001077653.2(TBX20):c.763A>G (p.Ile255Val)

Gene: TBX20 (T-box transcription factor 20; minus strand). Cytogenetic location: 7p14.2.
Variant type: single nucleotide variant.
Coding change: c.763A>G on transcript NM_001077653.2 (MANE Select); coding-DNA position 763, A replaced by G.
Protein change: p.Ile255Val; replaces isoleucine 255 with valine.
Molecular consequence: missense variant.
Genome position (GRCh38, 1-based): chr7:35,240,929, T>C on the plus strand (A>G on the coding strand, the complement: TBX20 is on the minus strand). VCF-style: chr7-35240929-T-C. GRCh37 (hg19) VCF-style: chr7-35280541-T-C.
Other names: c.763A>G, p.Ile255Val (NM_001166220.1); short protein forms I255V.
Identifiers: ClinVar variation 2602319 (VCV002602319.6), dbSNP rs2546993195, ClinGen allele CA367263988.
Genomic context (GRCh38, chr7:35,240,929, plus strand): 5'-GTACACTCACCAGTTGATTCTGGTAGGCAGTGACTGCCGTAAAAACTGTTTCTGGAAAGA[T>C]GAAAGTTCTAAATTCTTCAGACTTCAGGTTGAGCAATGAGGCTGTGTGGTCTTTCTTCTT-3'
Protein context (NP_001071121.1, residues 245-265): NLKSEEFRTF[Ile255Val]FPETVFTAVT

ClinVar aggregate classification (germline): Uncertain significance. Review status: criteria provided, multiple submitters, no conflicts (2 of 4 stars). 2 submissions from 2 submitters: Uncertain significance (2). Last evaluated 2025-09-10.

Conditions:
Cardiovascular phenotype. Identifiers: MedGen CN230736.

Allele frequency attached by ClinVar (database versions not stated): gnomAD exomes below 0.00001.
gnomAD v4.1: 2 of 1,613,958 alleles (0.00012%); highest among the groups gnomAD compares: Middle Eastern, 0.017%; no homozygotes.

Submissions (2):

Labcorp Genetics (formerly Invitae), Labcorp
Classification: Uncertain significance. Last evaluated: 2025-09-10. Review status: criteria provided, single submitter. Criteria: Invitae Variant Classification Sherloc (09022015). Collection method: clinical testing. Allele origin: germline.
Comment: This sequence change replaces isoleucine, which is neutral and non-polar, with valine, which is neutral and non-polar, at codon 255 of the TBX20 protein (p.Ile255Val). This variant is not present in population databases (gnomAD no frequency). This variant has not been reported in the literature in individuals affected with TBX20-related conditions. ClinVar contains an entry for this variant (Variation ID: 2602319). Invitae Evidence Modeling of protein sequence and biophysical properties (such as structural, functional, and spatial information, amino acid conservation, physicochemical variation, residue mobility, and thermodynamic stability) indicates that this missense variant is not expected to disrupt TBX20 protein function with a negative predictive value of 80%. In summary, the available evidence is currently insufficient to determine the role of this variant in disease. Therefore, it has been classified as a Variant of Uncertain Significance.

Ambry Genetics
Classification: Uncertain significance for Cardiovascular phenotype. Last evaluated: 2024-06-11. Review status: criteria provided, single submitter. Criteria: Ambry Variant Classification Scheme 2023. Collection method: clinical testing. Allele origin: germline.
Comment: The p.I255V variant (also known as c.763A>G), located in coding exon 5 of the TBX20 gene, results from an A to G substitution at nucleotide position 763. The isoleucine at codon 255 is replaced by valine, an amino acid with highly similar properties. This amino acid position is not well conserved in available vertebrate species. In addition, this alteration is predicted to be tolerated by in silico analysis. Based on the available evidence, the clinical significance of this variant remains unclear.